The following is an entry in ClinVar:

NM_001128840.3(CACNA1D):c.3427A>G (p.Met1143Val)

Genes: CACNA1D (calcium voltage-gated channel subunit alpha1 D; plus strand), LOC129936904 (ATAC-STARR-seq lymphoblastoid active region 19969; plus strand). Cytogenetic location: 3p21.1.
Variant type: single nucleotide variant.
Coding change: c.3427A>G on transcript NM_001128840.3 (MANE Select); coding-DNA position 3427, A replaced by G.
Protein change: p.Met1143Val; replaces methionine 1143 with valine.
Molecular consequence: missense variant.
Genome position (GRCh38, 1-based): chr3:53,749,380, A>G. VCF-style: chr3-53749380-A-G. GRCh37 (hg19) VCF-style: chr3-53783407-A-G.
Other names: c.3487A>G, p.Met1163Val (NM_000720.4); c.3427A>G, p.Met1143Val (NM_001128839.3); short protein forms M1143V, M1163V.
Identifiers: ClinVar variation 4812296 (VCV004812296.2).

ClinVar aggregate classification (germline): Uncertain significance. Review status: criteria provided, multiple submitters, no conflicts (2 of 4 stars). 2 submissions from 2 submitters: Uncertain significance (2). Last evaluated 2025-07-07.

Submissions (2):

Labcorp Genetics (formerly Invitae), Labcorp
Classification: Uncertain significance. Last evaluated: 2025-07-07. Review status: criteria provided, single submitter. Criteria: Invitae Variant Classification Sherloc (09022015). Collection method: clinical testing. Allele origin: germline.
Comment: This sequence change replaces methionine, which is neutral and non-polar, with valine, which is neutral and non-polar, at codon 1163 of the CACNA1D protein (p.Met1163Val). This variant is not present in population databases (gnomAD no frequency). This variant has not been reported in the literature in individuals affected with CACNA1D-related conditions. Invitae Evidence Modeling of protein sequence and biophysical properties (such as structural, functional, and spatial information, amino acid conservation, physicochemical variation, residue mobility, and thermodynamic stability) indicates that this missense variant is expected to disrupt CACNA1D protein function with a positive predictive value of 80%. In summary, the available evidence is currently insufficient to determine the role of this variant in disease. Therefore, it has been classified as a Variant of Uncertain Significance.

Blueprint Genetics
Classification: Uncertain significance. Last evaluated: 2020-06-19. Review status: criteria provided, single submitter. Criteria: ACMG Guidelines, 2015. Collection method: clinical testing. Allele origin: germline.